The following is an entry in ClinVar:

ClinVar aggregate classification (germline): Likely benign (1 of 4 stars; one submission).

Submission:

CeGaT Center for Human Genetics Tuebingen
Classification: Likely benign. Last evaluated: 2026-02-01. Review status: criteria provided, single submitter. Criteria: CeGaT Center For Human Genetics Tuebingen Variant Classification Criteria Version 2. Collection method: clinical testing. Allele origin: germline. Affected: yes. Observed: 1 variant allele.
Comment: NUTM2E: BP4, BP7

NM_001355263.2(NUTM2E):c.1206G>A (p.Ala402=)

Gene: NUTM2E (NUT family member 2E; plus strand). Cytogenetic location: 10q22.3.
Variant type: single nucleotide variant.
Coding change: c.1206G>A on transcript NM_001355263.2 (MANE Select); coding-DNA position 1206, G replaced by A.
Protein change: p.Ala402=; no amino-acid change (alanine 402 retained).
Molecular consequence: synonymous variant.
Genome position (GRCh38, 1-based): chr10:79,846,953, G>A. VCF-style: chr10-79846953-G-A. GRCh37 (hg19) VCF-style: chr10-81606709-G-A.
Identifiers: ClinVar variation 4822032 (VCV004822032.4).